The following is an entry in ClinVar:

ClinVar aggregate classification (germline): Uncertain significance (1 of 4 stars; one submission).

Allele frequency attached by ClinVar (database versions not stated): gnomAD 0.00001; TOPMed 0.00001.
gnomAD v4.1: 1 of 1,208,667 alleles (0.000083%); highest among the groups gnomAD compares: African/African-American, 0.0018%; no homozygotes.

Submission:

Labcorp Genetics (formerly Invitae), Labcorp
Classification: Uncertain significance. Last evaluated: 2022-08-22. Review status: criteria provided, single submitter. Criteria: Invitae Variant Classification Sherloc (09022015). Collection method: clinical testing. Allele origin: germline.
Comment: In summary, the available evidence is currently insufficient to determine the role of this variant in disease. Therefore, it has been classified as a Variant of Uncertain Significance. Algorithms developed to predict the effect of missense changes on protein structure and function (SIFT, PolyPhen-2, Align-GVGD) all suggest that this variant is likely to be tolerated. This variant has not been reported in the literature in individuals affected with CACNA1F-related conditions. This variant is present in population databases (no rsID available, gnomAD 0.008%). This sequence change replaces leucine, which is neutral and non-polar, with proline, which is neutral and non-polar, at codon 1681 of the CACNA1F protein (p.Leu1681Pro).

NM_001256789.3(CACNA1F):c.5009T>C (p.Leu1670Pro)

Gene: CACNA1F (calcium voltage-gated channel subunit alpha1 F; minus strand). Cytogenetic location: Xp11.23.
Variant type: single nucleotide variant.
Coding change: c.5009T>C on transcript NM_001256789.3 (MANE Select); coding-DNA position 5009, T replaced by C.
Protein change: p.Leu1670Pro; replaces leucine 1670 with proline.
Molecular consequence: missense variant.
Genome position (GRCh38, 1-based): chrX:49,208,629, A>G on the plus strand (T>C on the coding strand, the complement: CACNA1F is on the minus strand). VCF-style: chrX-49208629-A-G. GRCh37 (hg19) VCF-style: chrX-49065089-A-G.
Other names: c.4847T>C, p.Leu1616Pro (NM_001256790.3); c.5042T>C, p.Leu1681Pro (NM_005183.4); short protein forms L1681P, L1670P, L1616P.
Identifiers: ClinVar variation 1963953 (VCV001963953.5), dbSNP rs1304581579, ClinGen allele CA412959401.